The following is an entry in ClinVar:

NM_021620.4(PRDM13):c.370A>G (p.Thr124Ala)

Gene: PRDM13 (PR/SET domain 13; plus strand). Cytogenetic location: 6q16.2.
Variant type: single nucleotide variant.
Coding change: c.370A>G on transcript NM_021620.4 (MANE Select); coding-DNA position 370, A replaced by G.
Protein change: p.Thr124Ala; replaces threonine 124 with alanine.
Molecular consequence: missense variant.
Genome position (GRCh38, 1-based): chr6:99,609,280, A>G. VCF-style: chr6-99609280-A-G. GRCh37 (hg19) VCF-style: chr6-100057156-A-G.
Other names: short protein forms T124A.
Identifiers: ClinVar variation 1062409 (VCV001062409.9), dbSNP rs1562507788, ClinGen allele CA365114193.
Genomic context (GRCh38, chr6:99,609,280, plus strand): 5'-GGGGAGGAGCTGACAGTGTGGTATTCTAACTCCTTGGCTCAGTGGTTCGACATCCCCACC[A>G]CAGCGACTCCGACTCACGACGAGAAAGGTACCCATTCCAAAAGCGTGGATGGGCAAAAGT-3'
Protein context (NP_067633.2, residues 114-134): SLAQWFDIPT[Thr124Ala]ATPTHDEKGE

ClinVar aggregate classification (germline): Uncertain significance (1 of 4 stars; one submission).

Allele frequency attached by ClinVar (database versions not stated): gnomAD 0.00001.

Submission:

Labcorp Genetics (formerly Invitae), Labcorp
Classification: Uncertain significance. Last evaluated: 2024-10-22. Review status: criteria provided, single submitter. Criteria: Invitae Variant Classification Sherloc (09022015). Collection method: clinical testing. Allele origin: germline.
Comment: This sequence change replaces threonine, which is neutral and polar, with alanine, which is neutral and non-polar, at codon 124 of the PRDM13 protein (p.Thr124Ala). This variant is not present in population databases (gnomAD no frequency). This variant has not been reported in the literature in individuals affected with PRDM13-related conditions. ClinVar contains an entry for this variant (Variation ID: 1062409). An algorithm developed to predict the effect of missense changes on protein structure and function (PolyPhen-2) suggests that this variant is likely to be tolerated. In summary, the available evidence is currently insufficient to determine the role of this variant in disease. Therefore, it has been classified as a Variant of Uncertain Significance.